The following is an entry in ClinVar:

ClinVar aggregate classification (germline): Uncertain significance (1 of 4 stars; one submission).

Conditions:
Neurofibromatosis, type 1 (NF1). Also called: NEUROFIBROMATOSIS, TYPE I, SOMATIC; Peripheral type neurofibromatosis; VON RECKLINGHAUSEN DISEASE; Neurofibromatosis, type I. Identifiers: Orphanet 636, MedGen C0027831, MONDO:0018975, OMIM 162200. Disease mechanism: loss of function.

Submission:

Labcorp Genetics (formerly Invitae), Labcorp
Classification: Uncertain significance for Neurofibromatosis, type 1. Last evaluated: 2022-06-20. Review status: criteria provided, single submitter. Criteria: Invitae Variant Classification Sherloc (09022015). Collection method: clinical testing. Allele origin: germline.
Comment: In summary, the available evidence is currently insufficient to determine the role of this variant in disease. Therefore, it has been classified as a Variant of Uncertain Significance. Algorithms developed to predict the effect of missense changes on protein structure and function (SIFT, PolyPhen-2, Align-GVGD) all suggest that this variant is likely to be tolerated. ClinVar contains an entry for this variant (Variation ID: 1005725). This variant has not been reported in the literature in individuals affected with NF1-related conditions. This variant is not present in population databases (gnomAD no frequency). This sequence change replaces arginine, which is basic and polar, with serine, which is neutral and polar, at codon 2437 of the NF1 protein (p.Arg2437Ser).

NM_001042492.3(NF1):c.7374A>C (p.Arg2458Ser)

Gene: NF1 (neurofibromin 1; plus strand). Cytogenetic location: 17q11.2.
Variant type: single nucleotide variant.
Coding change: c.7374A>C on transcript NM_001042492.3 (MANE Select); coding-DNA position 7374, A replaced by C.
Protein change: p.Arg2458Ser; replaces arginine 2458 with serine.
Molecular consequence: missense variant.
Genome position (GRCh38, 1-based): chr17:31,350,235, A>C. VCF-style: chr17-31350235-A-C. GRCh37 (hg19) VCF-style: chr17-29677253-A-C.
Other names: c.7311A>C, p.Arg2437Ser (NM_000267.4); short protein forms R2437S, R2458S.
Identifiers: ClinVar variation 1005725 (VCV001005725.5), dbSNP rs2070105352, ClinGen allele CA399017052.